The following is an entry in ClinVar:

ClinVar aggregate classification (germline): Likely benign (1 of 4 stars; one submission).

gnomAD v4.1: 4 of 1,572,602 alleles (0.00025%); highest among the groups gnomAD compares: Non-Finnish European, 0.00026%; no homozygotes.

Submission:

CeGaT Center for Human Genetics Tuebingen
Classification: Likely benign. Last evaluated: 2026-09-01. Review status: criteria provided, single submitter. Criteria: CeGaT Center For Human Genetics Tuebingen Variant Classification Criteria Version 2. Collection method: clinical testing. Allele origin: germline. Affected: yes. Observed: 1 variant allele.
Comment: PLEC: BP4, BP7

NM_201384.3(PLEC):c.13530C>T (p.Gly4510=)

Gene: PLEC (plectin; minus strand). Cytogenetic location: 8q24.3.
Variant type: single nucleotide variant.
Coding change: c.13530C>T on transcript NM_201384.3 (MANE Select); coding-DNA position 13530, C replaced by T.
Protein change: p.Gly4510=; no amino-acid change (glycine 4510 retained).
Molecular consequence: synonymous variant.
Genome position (GRCh38, 1-based): chr8:143,916,291, G>A on the plus strand (C>T on the coding strand, the complement: PLEC is on the minus strand). VCF-style: chr8-143916291-G-A. GRCh37 (hg19) VCF-style: chr8-144990459-G-A.
Other names: c.13611C>T, p.Gly4537= (NM_000445.5); c.10230C>T, p.Gly3410= (NM_001410941.1); c.13488C>T, p.Gly4496= (NM_201378.4); c.13464C>T, p.Gly4488= (NM_201379.3); c.13941C>T, p.Gly4647= (NM_201380.4); c.13434C>T, p.Gly4478= (NM_201381.3); c.13530C>T, p.Gly4510= (NM_201382.4); c.13542C>T, p.Gly4514= (NM_201383.3).
Identifiers: ClinVar variation 5041163 (VCV005041163.1).